The following is an entry in ClinVar:

NM_006922.4(SCN3A):c.5938_5939del (p.Lys1980fs)

Gene: SCN3A (sodium voltage-gated channel alpha subunit 3; minus strand). Cytogenetic location: 2q24.3.
Variant type: Deletion.
Coding change: c.5938_5939del on transcript NM_006922.4 (MANE Select); coding-DNA positions 5938 to 5939, 2 bases deleted (AA; older notation c.5938_5939delAA).
Protein change: p.Lys1980fs; shifts the reading frame from lysine 1980.
Molecular consequence: frameshift variant.
Genome position (GRCh38, 1-based): chr2:165,090,214-165,090,215, TT deleted on the plus strand (AA on the coding strand, the reverse complement: SCN3A is on the minus strand); deleting any 2 consecutive bases within chr2:165,090,214-165,090,217 gives the same sequence; the c. name uses the placement nearest the transcript's 3' end. VCF-style (leftmost placement, unchanged base first): chr2-165090213-CTT-C. GRCh37 (hg19) VCF-style: chr2-165946723-CTT-C.
Other names: c.5791_5792del, p.Lys1931fs (NM_001081676.2, NM_001081677.2); short protein forms K1980fs, K1931fs.
Identifiers: ClinVar variation 3692410 (VCV003692410.2).

ClinVar aggregate classification (germline): Uncertain significance (1 of 4 stars; one submission).

Submission:

Labcorp Genetics (formerly Invitae), Labcorp
Classification: Uncertain significance. Last evaluated: 2024-02-15. Review status: criteria provided, single submitter. Criteria: Invitae Variant Classification Sherloc (09022015). Collection method: clinical testing. Allele origin: germline.
Comment: This sequence change creates a premature translational stop signal (p.Lys1980Valfs*2) in the SCN3A gene. While this is not anticipated to result in nonsense mediated decay, it is expected to disrupt the last 21 amino acid(s) of the SCN3A protein. This variant is not present in population databases (gnomAD no frequency). This variant has not been reported in the literature in individuals affected with SCN3A-related conditions. Experimental studies and prediction algorithms are not available or were not evaluated, and the functional significance of this variant is currently unknown. In summary, the available evidence is currently insufficient to determine the role of this variant in disease. Therefore, it has been classified as a Variant of Uncertain Significance.